The following is an entry in ClinVar:

NM_000216.4(ANOS1):c.1187C>T (p.Ser396Leu)

Gene: ANOS1 (anosmin 1; minus strand). Cytogenetic location: Xp22.31.
Variant type: single nucleotide variant.
Coding change: c.1187C>T on transcript NM_000216.4 (MANE Select); coding-DNA position 1187, C replaced by T.
Protein change: p.Ser396Leu; replaces serine 396 with leucine.
Molecular consequence: missense variant.
Genome position (GRCh38, 1-based): chrX:8,568,252, G>A on the plus strand (C>T on the coding strand, the complement: ANOS1 is on the minus strand). VCF-style: chrX-8568252-G-A. GRCh37 (hg19) VCF-style: chrX-8536293-G-A.
Other names: short protein forms S396L.
Identifiers: ClinVar variation 10013 (VCV000010013.31), dbSNP rs137852517, ClinGen allele CA254972.

ClinVar aggregate classification (germline): Conflicting classifications of pathogenicity. Review status: criteria provided, conflicting classifications (1 of 4 stars). 4 submissions from 4 submitters: Uncertain significance (1); Benign (1); Likely benign (1). 1 of the submissions does not count toward it. Last evaluated 2026-01-19.

Conditions:
Hypogonadotropic hypogonadism 1 with or without anosmia (HH1). Also called: DYSPLASIA OLFACTOGENITALIS OF DE MORSIER; HYPOGONADOTROPIC HYPOGONADISM AND ANOSMIA; Hypogonadotropic hypogonadism 1 with or without anosmia (Kallmann syndrome 1); Kallmann syndrome, type 1, X-linked; HYPOGONADOTROPIC HYPOGONADISM 1 WITH ANOSMIA; KAL1-Related GnRH Deficiency (Kallmann Syndrome 1; Kallmann Syndrome, X-Linked). Identifiers: Orphanet 478, MedGen C1563719, MONDO:0010635, OMIM 308700. Disease mechanism: loss of function.

Allele frequency attached by ClinVar (database versions not stated): gnomAD exomes 0.00021 and 0.00029; ExAC 0.00030; gnomAD 0.00037 and 0.00038; 1000 Genomes Project 0.00053; 1000 Genomes Project 30x 0.00062; TOPMed 0.00076.
gnomAD v4.1: 290 of 1,208,393 alleles (0.024%); highest among the groups gnomAD compares: Admixed American, 0.083%; no homozygotes.

Submissions (4):

Labcorp Genetics (formerly Invitae), Labcorp
Classification: Benign for Hypogonadotropic hypogonadism 1 with or without anosmia. Last evaluated: 2026-01-19. Review status: criteria provided, single submitter. Criteria: Invitae Variant Classification Sherloc (09022015). Collection method: clinical testing. Allele origin: germline.

CeGaT Center for Human Genetics Tuebingen
Classification: Likely benign. Last evaluated: 2024-07-01. Review status: criteria provided, single submitter. Criteria: CeGaT Center For Human Genetics Tuebingen Variant Classification Criteria Version 2. Collection method: clinical testing. Allele origin: germline. Affected: yes. Observed: 3 variant alleles.
Comment: ANOS1: BP4, BS2

Mendelics
Classification: Uncertain significance. Last evaluated: 2022-05-04. Review status: criteria provided, single submitter. Criteria: Mendelics Assertion Criteria 2019. Collection method: clinical testing. Allele origin: germline.

OMIM
Classification: Pathogenic for HYPOGONADOTROPIC HYPOGONADISM 1 WITH ANOSMIA. Last evaluated: 2006-10-20. Review status: no assertion criteria provided. Collection method: literature only. Allele origin: germline. Not counted in ClinVar's aggregate classification.

Literature cited by the submitters: PubMed 17054399 (cited by OMIM).